The following is an entry in ClinVar:

NM_001317778.2(SFTPC):c.337T>G (p.Tyr113Asp)

Gene: SFTPC (surfactant protein C; plus strand). Cytogenetic location: 8p21.3.
Variant type: single nucleotide variant.
Coding change: c.337T>G on transcript NM_001317778.2 (MANE Select); coding-DNA position 337, T replaced by G.
Protein change: p.Tyr113Asp; replaces tyrosine 113 with aspartic acid.
Molecular consequence: missense variant.
Genome position (GRCh38, 1-based): chr8:22,163,448, T>G. VCF-style: chr8-22163448-T-G. GRCh37 (hg19) VCF-style: chr8-22020961-T-G.
Other names: c.337T>G, p.Tyr113Asp (NM_001172357.2, NM_001172410.2, NM_001317780.2 and 8 more transcripts); c.178T>G, p.Tyr60Asp (NM_001317779.2, NM_001385660.1); short protein forms Y113D, Y60D.
Identifiers: ClinVar variation 3651479 (VCV003651479.2).

ClinVar aggregate classification (germline): Uncertain significance (1 of 4 stars; one submission).

Submission:

Labcorp Genetics (formerly Invitae), Labcorp
Classification: Uncertain significance. Last evaluated: 2024-04-29. Review status: criteria provided, single submitter. Criteria: Invitae Variant Classification Sherloc (09022015). Collection method: clinical testing. Allele origin: germline.
Comment: This sequence change replaces tyrosine, which is neutral and polar, with aspartic acid, which is acidic and polar, at codon 113 of the SFTPC protein (p.Tyr113Asp). This variant is not present in population databases (gnomAD no frequency). This variant has not been reported in the literature in individuals affected with SFTPC-related conditions. An algorithm developed to predict the effect of missense changes on protein structure and function (PolyPhen-2) suggests that this variant is likely to be disruptive. This variant disrupts the p.Tyr113 amino acid residue in SFTPC. Other variant(s) that disrupt this residue have been determined to be pathogenic (PMID: 28157837, 31462320). This suggests that this residue is clinically significant, and that variants that disrupt this residue are likely to be disease-causing. In summary, the available evidence is currently insufficient to determine the role of this variant in disease. Therefore, it has been classified as a Variant of Uncertain Significance.

Literature cited by the submitters: PubMed 28157837; PubMed 31462320.